The following is an entry in ClinVar:

NM_000245.4(MET):c.1559G>A (p.Cys520Tyr)

Gene: MET (MET proto-oncogene, receptor tyrosine kinase; plus strand). Cytogenetic location: 7q31.2.
Variant type: single nucleotide variant.
Coding change: c.1559G>A on transcript NM_000245.4 (MANE Select); coding-DNA position 1559, G replaced by A.
Protein change: p.Cys520Tyr; replaces cysteine 520 with tyrosine.
Molecular consequence: missense variant.
Genome position (GRCh38, 1-based): chr7:116,740,883, G>A. VCF-style: chr7-116740883-G-A. GRCh37 (hg19) VCF-style: chr7-116380937-G-A.
Other names: c.1559G>A, p.Cys520Tyr (NM_001127500.3, NM_001324401.3); c.269G>A, p.Cys90Tyr (NM_001324402.2); short protein forms C90Y, C520Y.
Identifiers: ClinVar variation 3872378 (VCV003872378.1).

ClinVar aggregate classification (germline): Uncertain significance (1 of 4 stars; one submission).

Conditions:
Hereditary cancer-predisposing syndrome. Also called: Tumor predisposition; Neoplastic Syndromes, Hereditary; Hereditary Cancer Syndrome; Hereditary neoplastic syndrome. Identifiers: Orphanet 140162, MedGen C0027672, MeSH D009386, MONDO:0015356.

Submission:

Ambry Genetics
Classification: Uncertain significance for Hereditary cancer-predisposing syndrome. Last evaluated: 2025-01-31. Review status: criteria provided, single submitter. Criteria: Ambry Variant Classification Scheme 2023. Collection method: clinical testing. Allele origin: germline.
Comment: The p.C520Y variant (also known as c.1559G>A), located in coding exon 4 of the MET gene, results from a G to A substitution at nucleotide position 1559. The cysteine at codon 520 is replaced by tyrosine, an amino acid with highly dissimilar properties. This amino acid position is conserved. In addition, this alteration is predicted to be deleterious by in silico analysis. Based on the available evidence, the clinical significance of this variant remains unclear.